The following is an entry in ClinVar:

NM_002439.5(MSH3):c.731A>G (p.Lys244Arg)

Gene: MSH3 (mutS homolog 3; plus strand). Cytogenetic location: 5q14.1.
Variant type: single nucleotide variant.
Coding change: c.731A>G on transcript NM_002439.5 (MANE Select); coding-DNA position 731, A replaced by G.
Protein change: p.Lys244Arg; replaces lysine 244 with arginine.
Molecular consequence: missense variant.
Genome position (GRCh38, 1-based): chr5:80,670,248, A>G. VCF-style: chr5-80670248-A-G. GRCh37 (hg19) VCF-style: chr5-79966067-A-G.
Other names: short protein forms K244R.
Identifiers: ClinVar variation 826963 (VCV000826963.15), dbSNP rs939095293, ClinGen allele CA121293105.

ClinVar aggregate classification (germline): Uncertain significance. Review status: criteria provided, multiple submitters, no conflicts (2 of 4 stars). 3 submissions from 3 submitters: Uncertain significance (3). Last evaluated 2025-10-31.

Conditions:
Hereditary cancer-predisposing syndrome. Also called: Neoplastic Syndromes, Hereditary; Tumor predisposition; Hereditary neoplastic syndrome; Hereditary Cancer Syndrome. Identifiers: Orphanet 140162, MedGen C0027672, MeSH D009386, MONDO:0015356.

Allele frequency attached by ClinVar (database versions not stated): gnomAD exomes below 0.00001; gnomAD 0.00002; TOPMed 0.00002.
gnomAD v4.1: 3 of 1,614,038 alleles (0.00019%); highest among the groups gnomAD compares: Non-Finnish European, 0.00025%; no homozygotes.

Submissions (3):

Ambry Genetics
Classification: Uncertain significance for Hereditary cancer-predisposing syndrome. Last evaluated: 2025-10-31. Review status: criteria provided, single submitter. Criteria: Ambry Variant Classification Scheme 2023. Collection method: clinical testing. Allele origin: germline.
Comment: The p.K244R variant (also known as c.731A>G), located in coding exon 4 of the MSH3 gene, results from an A to G substitution at nucleotide position 731. The lysine at codon 244 is replaced by arginine, an amino acid with highly similar properties. This amino acid position is not well conserved in available vertebrate species. In addition, this alteration is predicted to be tolerated by in silico analysis. Since supporting evidence is limited at this time, the clinical significance of this alteration remains unclear.

Labcorp Genetics (formerly Invitae), Labcorp
Classification: Uncertain significance. Last evaluated: 2025-01-02. Review status: criteria provided, single submitter. Criteria: Invitae Variant Classification Sherloc (09022015). Collection method: clinical testing. Allele origin: germline.
Comment: This sequence change replaces lysine, which is basic and polar, with arginine, which is basic and polar, at codon 244 of the MSH3 protein (p.Lys244Arg). This variant is present in population databases (no rsID available, gnomAD 0.0009%). This variant has not been reported in the literature in individuals affected with MSH3-related conditions. ClinVar contains an entry for this variant (Variation ID: 826963). An algorithm developed to predict the effect of missense changes on protein structure and function outputs the following: PolyPhen-2: "Benign". The arginine amino acid residue is found in multiple mammalian species, which suggests that this missense change does not adversely affect protein function. In summary, the available evidence is currently insufficient to determine the role of this variant in disease. Therefore, it has been classified as a Variant of Uncertain Significance.

Sema4
Classification: Uncertain significance for Hereditary cancer-predisposing syndrome. Last evaluated: 2022-01-25. Review status: criteria provided, single submitter. Criteria: Sema4 Curation Guidelines. Collection method: curation. Allele origin: germline.
Comment: The MSH3 c.731A>G (p.K244R) variant has not been reported in the literature to our knowledge. It was observed in 1/113724 chromosomes of the European (Non-Finnish) subpopulation in the large and broad cohorts of the Genome Aggregation Database (PMID: 32461654). This variant has been reported in ClinVar (Variation ID 826963). Functional studies have not been performed, and in silico predictions of the variant's effect on protein function are inconclusive. The evidence is insufficient to meet ACMG/AMP criteria for classifying the variant as benign or pathogenic. Thus, the clinical significance of this variant is currently uncertain.